The following is an entry in ClinVar:

ClinVar aggregate classification (germline): Likely benign (1 of 4 stars; one submission).

gnomAD v4.1: 66 of 1,202,068 alleles (0.0055%); highest among the groups gnomAD compares: Non-Finnish European, 0.0072%; no homozygotes.

Submission:

CeGaT Center for Human Genetics Tuebingen
Classification: Likely benign. Last evaluated: 2026-06-01. Review status: criteria provided, single submitter. Criteria: CeGaT Center For Human Genetics Tuebingen Variant Classification Criteria Version 2. Collection method: clinical testing. Allele origin: germline. Affected: yes. Observed: 1 variant allele.
Comment: WNK3: BP4, BS2

NM_020922.5(WNK3):c.2648A>G (p.Glu883Gly)

Gene: WNK3 (WNK lysine deficient protein kinase 3; minus strand). Cytogenetic location: Xp11.22.
Variant type: single nucleotide variant.
Coding change: c.2648A>G on transcript NM_020922.5 (MANE Select); coding-DNA position 2648, A replaced by G.
Protein change: p.Glu883Gly; replaces glutamic acid 883 with glycine.
Molecular consequence: missense variant.
Genome position (GRCh38, 1-based): chrX:54,250,059, T>C on the plus strand (A>G on the coding strand, the complement: WNK3 is on the minus strand). VCF-style: chrX-54250059-T-C. GRCh37 (hg19) VCF-style: chrX-54276492-T-C.
Other names: c.2648A>G, p.Glu883Gly (NM_001002838.4, NM_001395166.1); short protein forms E883G.
Identifiers: ClinVar variation 4874230 (VCV004874230.2).
Genomic context (GRCh38, chrX:54,250,059, plus strand): 5'-AGTGGATGTCGGCCAGGAACCGCAGACATGGAATGCTGAAGAGAAGGAGGAGACTGAGTC[T>C]CACGGTTTCTTATCGTCTGATTGATACAGAATCGCCACCGACCAACTGGGGATGACTGAG-3'
Protein context (NP_065973.2, residues 873-893): FCINQTIRNR[Glu883Gly]TQSPPSLQHS